The following is an entry in ClinVar:

NM_018979.4(WNK1):c.4088C>A (p.Pro1363His)

Gene: WNK1 (WNK lysine deficient protein kinase 1; plus strand). Cytogenetic location: 12p13.33.
Variant type: single nucleotide variant.
Coding change: c.4088C>A on transcript NM_018979.4 (MANE Select); coding-DNA position 4088, C replaced by A.
Protein change: p.Pro1363His; replaces proline 1363 with histidine.
Molecular consequence: missense variant.
Genome position (GRCh38, 1-based): chr12:884,892, C>A. VCF-style: chr12-884892-C-A. GRCh37 (hg19) VCF-style: chr12-994058-C-A.
Other names: c.4868C>A, p.Pro1623His (NM_001184985.2); c.3347C>A, p.Pro1116His (NM_014823.3); c.4844C>A, p.Pro1615His (NM_213655.5); short protein forms P1116H, P1363H, P1615H, P1623H.
Identifiers: ClinVar variation 2416963 (VCV002416963.6), dbSNP rs773207256, ClinGen allele CA6382914.
Genomic context (GRCh38, chr12:884,892, plus strand): 5'-TTGCTGGAGTCCCAACCACAGCAGCAGCCACAGCACCAGTCCCTGCAACAAGCAGCCCTC[C>A]TAATGACATTTCCACATCAGTAATTCAGTCTGAGGTTACAGTGCCCACTGAAGAGGGGAT-3'
Protein context (NP_061852.3, residues 1353-1373): TAPVPATSSP[Pro1363His]NDISTSVIQS

ClinVar aggregate classification (germline): Uncertain significance (1 of 4 stars; one submission).

Conditions:
Neuropathy, hereditary sensory and autonomic, type 2A (HSAN2A). Also called: ACROOSTEOLYSIS, GIACCAI TYPE; ACROOSTEOLYSIS, NEUROGENIC; MORVAN DISEASE; NEUROPATHY, CONGENITAL SENSORY; NEUROPATHY, HEREDITARY SENSORY RADICULAR, AUTOSOMAL RECESSIVE; NEUROPATHY, HEREDITARY SENSORY, TYPE IIA. Identifiers: Orphanet 970, MedGen C2752089, MONDO:0024309, OMIM 201300.
Pseudohypoaldosteronism type 2C (PHA2C). Also called: Pseudohypoaldosteronism Type IIC. Identifiers: Orphanet 757, Orphanet 88940, MedGen C1840391, MONDO:0013778, OMIM 614492.

Allele frequency attached by ClinVar (database versions not stated): ExAC 0.00001.
gnomAD v4.1: 3 of 1,614,154 alleles (0.00019%); highest among the groups gnomAD compares: Non-Finnish European, 0.00025%; no homozygotes.

Submission:

Labcorp Genetics (formerly Invitae), Labcorp
Classification: Uncertain significance for Neuropathy, hereditary sensory and autonomic, type 2A; Pseudohypoaldosteronism type 2C. Last evaluated: 2022-02-18. Review status: criteria provided, single submitter. Criteria: Invitae Variant Classification Sherloc (09022015). Collection method: clinical testing. Allele origin: germline.
Comment: This sequence change replaces proline, which is neutral and non-polar, with histidine, which is basic and polar, at codon 1615 of the WNK1 protein (p.Pro1615His). This variant has not been reported in the literature in individuals affected with WNK1-related conditions. This variant is present in population databases (rs773207256, gnomAD 0.0009%). In summary, the available evidence is currently insufficient to determine the role of this variant in disease. Therefore, it has been classified as a Variant of Uncertain Significance. Advanced modeling of protein sequence and biophysical properties (such as structural, functional, and spatial information, amino acid conservation, physicochemical variation, residue mobility, and thermodynamic stability) performed at Invitae indicates that this missense variant is not expected to disrupt WNK1 protein function.